The following is an entry in ClinVar:

ClinVar aggregate classification (germline): Uncertain significance (1 of 4 stars; one submission).

Submission:

Labcorp Genetics (formerly Invitae), Labcorp
Classification: Uncertain significance. Last evaluated: 2023-05-07. Review status: criteria provided, single submitter. Criteria: Invitae Variant Classification Sherloc (09022015). Collection method: clinical testing. Allele origin: germline.
Comment: In summary, the available evidence is currently insufficient to determine the role of this variant in disease. Therefore, it has been classified as a Variant of Uncertain Significance. An algorithm developed to predict the effect of missense changes on protein structure and function (PolyPhen-2) suggests that this variant is likely to be tolerated. This variant has not been reported in the literature in individuals affected with COL4A1-related conditions. This variant is not present in population databases (gnomAD no frequency). This sequence change replaces valine, which is neutral and non-polar, with aspartic acid, which is acidic and polar, at codon 929 of the COL4A1 protein (p.Val929Asp).

NM_001845.6(COL4A1):c.2786T>A (p.Val929Asp)

Gene: COL4A1 (collagen type IV alpha 1 chain; minus strand). Cytogenetic location: 13q34.
Variant type: single nucleotide variant.
Coding change: c.2786T>A on transcript NM_001845.6 (MANE Select); coding-DNA position 2786, T replaced by A.
Protein change: p.Val929Asp; replaces valine 929 with aspartic acid.
Molecular consequence: missense variant.
Genome position (GRCh38, 1-based): chr13:110,176,968, A>T on the plus strand (T>A on the coding strand, the complement: COL4A1 is on the minus strand). VCF-style: chr13-110176968-A-T. GRCh37 (hg19) VCF-style: chr13-110829315-A-T.
Other names: short protein forms V929D.
Identifiers: ClinVar variation 2862520 (VCV002862520.3), dbSNP rs2501777273, ClinGen allele CA388667049.